The following is an entry in ClinVar:

ClinVar aggregate classification (germline): Likely benign (0 of 4 stars; one submission).

Conditions:
SCAPER-related disorder. Also called: SCAPER-related condition.

gnomAD v4.1: 3 of 1,612,738 alleles (0.00019%); highest among the groups gnomAD compares: Non-Finnish European, 0.00025%; no homozygotes.

Submission:

PreventionGenetics, part of Exact Sciences
Classification: Likely benign for SCAPER-related condition. Last evaluated: 2024-09-11. Review status: no assertion criteria provided. Collection method: clinical testing. Allele origin: germline.
Comment: This variant is classified as likely benign based on ACMG/AMP sequence variant interpretation guidelines (Richards et al. 2015 PMID: 25741868, with internal and published modifications).

NM_020843.4(SCAPER):c.3445C>T (p.Leu1149=)

Gene: SCAPER (S-phase cyclin A associated protein in the ER; minus strand). Cytogenetic location: 15q24.3.
Variant type: single nucleotide variant.
Coding change: c.3445C>T on transcript NM_020843.4 (MANE Select); coding-DNA position 3445, C replaced by T.
Protein change: p.Leu1149=; no amino-acid change (leucine 1149 retained).
Molecular consequence: synonymous variant. On other transcripts: non-coding transcript variant (1).
Genome position (GRCh38, 1-based): chr15:76,404,546, G>A on the plus strand (C>T on the coding strand, the complement: SCAPER is on the minus strand). VCF-style: chr15-76404546-G-A. GRCh37 (hg19) VCF-style: chr15-76696887-G-A.
Other names: c.2707C>T, p.Leu903= (NM_001145923.2); c.3463C>T, p.Leu1155= (NM_001353009.2); c.3043C>T, p.Leu1015= (NM_001353010.2, NM_001353012.2); c.3061C>T, p.Leu1021= (NM_001353011.2).
Identifiers: ClinVar variation 3347898 (VCV003347898.1).